The following is an entry in ClinVar:

NM_000441.2(SLC26A4):c.2218G>A (p.Gly740Ser)

Gene: SLC26A4 (solute carrier family 26 member 4; plus strand). Cytogenetic location: 7q22.3.
Variant type: single nucleotide variant.
Coding change: c.2218G>A on transcript NM_000441.2 (MANE Select); coding-DNA position 2218, G replaced by A.
Protein change: p.Gly740Ser; replaces glycine 740 with serine.
Molecular consequence: missense variant.
Genome position (GRCh38, 1-based): chr7:107,710,182, G>A. VCF-style: chr7-107710182-G-A. GRCh37 (hg19) VCF-style: chr7-107350627-G-A.
Other names: short protein forms G740S.
Identifiers: ClinVar variation 43544 (VCV000043544.70), dbSNP rs17154353, ClinGen allele CA132709.

ClinVar aggregate classification (germline): Benign/Likely benign. Review status: criteria provided, multiple submitters, no conflicts (2 of 4 stars). 16 submissions from 15 submitters: Benign (8); Likely benign (4). 4 of the submissions do not count toward it. Last evaluated 2026-07-01.

Conditions:
Autosomal recessive nonsyndromic hearing loss 4 (DFNB4). Also called: Deafness, autosomal recessive 4, with enlarged vestibular aqueduct; Deafness, autosomal recessive 4; Enlarged vestibular aqueduct, digenic; FOXI1-Related Pendred Syndrome; KCNJ10-Related Pendred Syndrome; Nonsyndromic enlarged vestibular aqueduct (NSEVA). Identifiers: Orphanet 90636, MedGen C3538946, MONDO:0010933, OMIM 600791.
Pendred syndrome (PDS). Also called: Pendred's syndrome; Pendred Syndrome (PDS); THYROID DYSHORMONOGENESIS 2B; THYROID HORMONOGENESIS, GENETIC DEFECT IN, 2B; DEAFNESS WITH GOITER; GOITER-DEAFNESS SYNDROME. Identifiers: Orphanet 705, MedGen C0271829, MONDO:0010134, OMIM 274600.

Allele frequency attached by ClinVar (database versions not stated): TOPMed 0.01566; gnomAD 0.01449; ESP Exome Variant Server 0.01707; ExAC 0.00438; 1000 Genomes Project 30x 0.01437; 1000 Genomes Project 0.01458.
gnomAD v4.1: 4,376 of 1,604,892 alleles (0.27%); highest among the groups gnomAD compares: African/African-American, 5%; 83 homozygotes.

Submissions (16):

CeGaT Center for Human Genetics Tuebingen
Classification: Benign. Last evaluated: 2026-07-01. Review status: criteria provided, single submitter. Criteria: CeGaT Center For Human Genetics Tuebingen Variant Classification Criteria Version 2. Collection method: clinical testing. Allele origin: germline. Affected: yes. Observed: 4 variant alleles.
Comment: SLC26A4: PM5, BP4, BS1, BS2

Labcorp Genetics (formerly Invitae), Labcorp
Classification: Benign. Last evaluated: 2026-02-04. Review status: criteria provided, single submitter. Criteria: Invitae Variant Classification Sherloc (09022015). Collection method: clinical testing. Allele origin: germline.

Fulgent Genetics
Classification: Benign for Pendred syndrome; Autosomal recessive nonsyndromic hearing loss 4. Last evaluated: 2022-05-06. Review status: criteria provided, single submitter. Criteria: ACMG Guidelines, 2015. Collection method: clinical testing. Allele origin: unknown.

Women's Health and Genetics/Laboratory Corporation of America, LabCorp
Classification: Likely benign. Last evaluated: 2021-12-10. Review status: criteria provided, single submitter. Criteria: LabCorp Variant Classification Summary - May 2015. Collection method: clinical testing. Allele origin: germline.

ARUP Laboratories, Molecular Genetics and Genomics, ARUP Laboratories
Classification: Benign. Last evaluated: 2020-12-17. Review status: criteria provided, single submitter. Criteria: ARUP Molecular Germline Variant Investigation Process 2021. Collection method: clinical testing. Allele origin: germline.

Athena Diagnostics
Classification: Benign. Last evaluated: 2018-05-23. Review status: criteria provided, single submitter. Criteria: Athena Diagnostics Criteria. Collection method: clinical testing. Allele origin: germline.

GeneDx
Classification: Likely benign. Last evaluated: 2017-10-18. Review status: criteria provided, single submitter. Criteria: GeneDx Variant Classification (06012015). Collection method: clinical testing. Allele origin: germline. Affected: yes.
Comment: This variant is considered likely benign or benign based on one or more of the following criteria: it is a conservative change, it occurs at a poorly conserved position in the protein, it is predicted to be benign by multiple in silico algorithms, and/or has population frequency not consistent with disease.

Illumina Laboratory Services, Illumina
Classification: Likely benign for Autosomal recessive nonsyndromic hearing loss 4. Last evaluated: 2017-04-28. Review status: criteria provided, single submitter. Criteria: ICSL Variant Classification Criteria 13 December 2019. Collection method: clinical testing. Allele origin: germline.
Comment: This variant was observed as part of a predisposition screen in an ostensibly healthy population. A literature search was performed for the gene, cDNA change, and amino acid change (where applicable). Publications were found based on this search. The evidence from the literature, in combination with allele frequency data from public databases where available, was sufficient to determine this variant is unlikely to cause disease. Therefore, this variant is classified as likely benign.

Illumina Laboratory Services, Illumina
Classification: Benign for Pendred syndrome. Last evaluated: 2017-04-28. Review status: criteria provided, single submitter. Criteria: ICSL Variant Classification Criteria 13 December 2019. Collection method: clinical testing. Allele origin: germline.
Comment: This variant was observed as part of a predisposition screen in an ostensibly healthy population. A literature search was performed for the gene, cDNA change, and amino acid change (where applicable). Publications were found based on this search. The evidence from the literature, in combination with allele frequency data from public databases where available, was sufficient to rule this variant out of causing disease. Therefore, this variant is classified as benign.

Eurofins Ntd Llc (ga)
Classification: Benign. Last evaluated: 2016-09-14. Review status: criteria provided, single submitter. Criteria: EGL Classification Definitions 2015. Collection method: clinical testing. Allele origin: germline. Observed: 1 variant allele, 1 heterozygote.

Laboratory for Molecular Medicine, Mass General Brigham Personalized Medicine
Classification: Benign. Last evaluated: 2010-09-16. Review status: criteria provided, single submitter. Criteria: LMM Criteria. Collection method: clinical testing. Allele origin: germline. Observed: 25 variant alleles.
Comment: Gly740Ser in exon 19 of SLC26A4: This variant is not expected to have clinical s ignificance due a common occurrence in the general population (dbSNP - rs1715435 3).

Breakthrough Genomics
Classification: Likely benign. Review status: criteria provided, single submitter. Criteria: ACMG Guidelines, 2015. Collection method: not provided. Allele origin: germline. Inheritance: Autosomal recessive inheritance. Affected: yes.

Natera, Inc.
Classification: Benign for Pendred syndrome. Last evaluated: 2019-11-06. Review status: no assertion criteria provided. Collection method: clinical testing. Allele origin: germline. Not counted in ClinVar's aggregate classification.

Counsyl
Classification: Likely benign for Pendred's syndrome. Last evaluated: 2014-04-26. Review status: no assertion criteria provided. Collection method: literature only. Allele origin: unknown. Inheritance: Autosomal recessive inheritance. Not counted in ClinVar's aggregate classification.

Clinical Genetics DNA and cytogenetics Diagnostics Lab, Erasmus MC, Erasmus Medical Center
Classification: Benign. Review status: no assertion criteria provided. Collection method: clinical testing. Allele origin: germline. Affected: yes. Study: VKGL Data-share Consensus. Not counted in ClinVar's aggregate classification.

Clinical Genetics, Academic Medical Center
Classification: Likely benign. Review status: no assertion criteria provided. Collection method: clinical testing. Allele origin: germline. Affected: yes. Study: VKGL Data-share Consensus. Not counted in ClinVar's aggregate classification.

Literature cited by the submitters: PubMed 19429184 (cited by Illumina Laboratory Services, Illumina); PubMed 26035154 (cited by Illumina Laboratory Services, Illumina); PubMed 18285825 (cited by Illumina Laboratory Services, Illumina); PubMed 22116359 (cited by Illumina Laboratory Services, Illumina and Counsyl); PubMed 24860705 (cited by Illumina Laboratory Services, Illumina); PubMed 19017801 (cited by 3 submitters); PubMed 22116358 (cited by Illumina Laboratory Services, Illumina); PubMed 23401162 (cited by Illumina Laboratory Services, Illumina); PubMed 14679580 (cited by 3 submitters); PubMed 17309986 (cited by Illumina Laboratory Services, Illumina and Counsyl).